The following is an entry in ClinVar:

ClinVar aggregate classification (germline): Uncertain significance. Review status: criteria provided, multiple submitters, no conflicts (2 of 4 stars). 2 submissions from 2 submitters: Uncertain significance (2). Last evaluated 2024-09-09.

Conditions:
Fanconi anemia (FA). Also called: Fanconi's anemia. Identifiers: Orphanet 84, MedGen C0015625, MeSH D005199, MONDO:0019391.
Fanconi anemia complementation group L (FANCL). Also called: FANCL-Related Fanconi Anemia. Identifiers: Orphanet 84, MedGen C3469528, MONDO:0013566, OMIM 614083.

Allele frequency attached by ClinVar (database versions not stated): gnomAD 0.00001; ExAC 0.00002; 1000 Genomes Project 30x 0.00016; 1000 Genomes Project 0.00020.
gnomAD v4.1: 1 of 1,612,884 alleles (0.000062%); highest among the groups gnomAD compares: East Asian, 0.0022%; no homozygotes.

Submissions (2):

St. Jude Molecular Pathology, St. Jude Children's Research Hospital
Classification: Uncertain significance for Fanconi anemia complementation group L. Last evaluated: 2024-09-09. Review status: criteria provided, single submitter. Criteria: St. Jude Assertion Criteria 2020. Collection method: clinical testing. Allele origin: germline.
Comment: The FANCL c.1111A>G (p.Ile371Val) change has a maximum subpopulation frequency of 0.0054% in gnomAD v2.1.1. The in silico tool REVEL predicts a benign effect on protein function, but functional studies have not been performed. This variant has not been reported in individuals with Fanconi anemia. In summary, the evidence currently available is insufficient to determine the clinical significance of this variant. It has therefore been classified as of uncertain significance.

Labcorp Genetics (formerly Invitae), Labcorp
Classification: Uncertain significance for Fanconi anemia. Last evaluated: 2023-05-23. Review status: criteria provided, single submitter. Criteria: Invitae Variant Classification Sherloc (09022015). Collection method: clinical testing. Allele origin: germline.
Comment: This sequence change replaces isoleucine, which is neutral and non-polar, with valine, which is neutral and non-polar, at codon 366 of the FANCL protein (p.Ile366Val). In summary, the available evidence is currently insufficient to determine the role of this variant in disease. Therefore, it has been classified as a Variant of Uncertain Significance. Algorithms developed to predict the effect of sequence changes on RNA splicing suggest that this variant may create or strengthen a splice site. Advanced modeling of protein sequence and biophysical properties (such as structural, functional, and spatial information, amino acid conservation, physicochemical variation, residue mobility, and thermodynamic stability) performed at Invitae indicates that this missense variant is not expected to disrupt FANCL protein function. This variant has not been reported in the literature in individuals affected with FANCL-related conditions. The frequency data for this variant in the population databases is considered unreliable, as metrics indicate poor data quality at this position in the gnomAD database.

NM_018062.4(FANCL):c.1096A>G (p.Ile366Val)

Genes: FANCL (FA complementation group L; minus strand), VRK2 (VRK serine/threonine kinase 2; plus strand). Cytogenetic location: 2p16.1.
Variant type: single nucleotide variant.
Coding change: c.1096A>G on transcript NM_018062.4 (MANE Select); coding-DNA position 1096, A replaced by G.
Protein change: p.Ile366Val; replaces isoleucine 366 with valine.
Molecular consequence: missense variant. On other transcripts: 3 prime UTR variant (9).
Genome position (GRCh38, 1-based): chr2:58,159,797, T>C on the plus strand (A>G on the coding strand, the complement: FANCL is on the minus strand). VCF-style: chr2-58159797-T-C. GRCh37 (hg19) VCF-style: chr2-58386932-T-C.
Other names: c.1111A>G, p.Ile371Val (NM_001114636.2); c.1141A>G, p.Ile381Val (NM_001374615.1); c.1156A>G, p.Ile386Val (NM_001410792.1); c.*104T>C (NM_001130480.2, NM_001130481.2, NM_001130482.2 and 4 more transcripts); c.*489T>C (NM_001130483.2, NM_001288838.2); short protein forms I381V, I371V, I386V, I366V.
Identifiers: ClinVar variation 2725683 (VCV002725683.4), dbSNP rs200412376, ClinGen allele CA1670294.